The following is an entry in ClinVar:

NM_000593.6(TAP1):c.605T>G (p.Met202Arg)

Gene: TAP1 (transporter 1, ATP binding cassette subfamily B member; minus strand). Cytogenetic location: 6p21.32.
Variant type: single nucleotide variant.
Coding change: c.605T>G on transcript NM_000593.6 (MANE Select); coding-DNA position 605, T replaced by G.
Protein change: p.Met202Arg; replaces methionine 202 with arginine.
Molecular consequence: missense variant. On other transcripts: initiator codon variant (1).
Genome position (GRCh38, 1-based): chr6:32,852,496, A>C on the plus strand (T>G on the coding strand, the complement: TAP1 is on the minus strand). VCF-style: chr6-32852496-A-C. GRCh37 (hg19) VCF-style: chr6-32820273-A-C.
Other names: c.2T>G, p.Met1Arg (NM_001292022.2); c.785T>G (NM_000593.5); short protein forms M1R, M202R.
Identifiers: ClinVar variation 1040483 (VCV001040483.8), dbSNP rs371791126, ClinGen allele CA3746975.

ClinVar aggregate classification (germline): Uncertain significance. Review status: criteria provided, multiple submitters, no conflicts (2 of 4 stars). 3 submissions from 3 submitters: Uncertain significance (3). Last evaluated 2026-02-12.

Conditions:
MHC class I deficiency. Identifiers: Orphanet 34592, MedGen C6024714, MONDO:0011476.
Inborn genetic diseases. Identifiers: MedGen C0950123, MeSH D030342.

Allele frequency attached by ClinVar (database versions not stated): ExAC 0.00003; gnomAD exomes 0.00001; ESP Exome Variant Server 0.00012; gnomAD 0.00003; TOPMed 0.00005.
gnomAD v4.1: 8 of 1,612,902 alleles (0.0005%); highest among the groups gnomAD compares: African/African-American, 0.011%; no homozygotes.

Submissions (3):

Women's Health and Genetics/Laboratory Corporation of America, LabCorp
Classification: Uncertain significance. Last evaluated: 2026-02-12. Review status: criteria provided, single submitter. Criteria: LabCorp Variant Classification Summary - May 2015. Collection method: clinical testing. Allele origin: germline.
Comment: Variant summary: TAP1 c.605T>G (p.Met202Arg) results in a non-conservative amino acid change in the encoded protein sequence. Algorithms developed to predict the effect of missense changes on protein structure and function all suggest that this variant is likely to be disruptive. The variant allele was found at a frequency of 8.1e-06 in 246610 control chromosomes. The available data on variant occurrences in the general population are insufficient to allow any conclusion about variant significance. To our knowledge, no occurrence of c.605T>G in individuals affected with TAP1-related conditions and no experimental evidence demonstrating its impact on protein function have been reported. ClinVar contains an entry for this variant (Variation ID: 1040483). Based on the evidence outlined above, the variant was classified as uncertain significance.

Ambry Genetics
Classification: Uncertain significance for Inborn genetic diseases. Last evaluated: 2024-03-28. Review status: criteria provided, single submitter. Criteria: Ambry Variant Classification Scheme 2023. Collection method: clinical testing. Allele origin: germline.

Labcorp Genetics (formerly Invitae), Labcorp
Classification: Uncertain significance for MHC class I deficiency 1. Last evaluated: 2021-08-27. Review status: criteria provided, single submitter. Criteria: Invitae Variant Classification Sherloc (09022015). Collection method: clinical testing. Allele origin: germline.
Comment: This sequence change replaces methionine with arginine at codon 262 of the TAP1 protein (p.Met262Arg). The methionine residue is moderately conserved and there is a moderate physicochemical difference between methionine and arginine. This variant is present in population databases (rs371791126, ExAC 0.03%). This variant has not been reported in the literature in individuals affected with TAP1-related conditions. Algorithms developed to predict the effect of missense changes on protein structure and function are either unavailable or do not agree on the potential impact of this missense change (SIFT: "Deleterious"; PolyPhen-2: "Probably Damaging"; Align-GVGD: "Class C0"). In summary, the available evidence is currently insufficient to determine the role of this variant in disease. Therefore, it has been classified as a Variant of Uncertain Significance.